The following is an entry in ClinVar:

NM_001374828.1(ARID1B):c.5903del (p.Arg1968fs)

Gene: ARID1B (AT-rich interaction domain 1B; plus strand). Cytogenetic location: 6q25.3.
Variant type: Deletion.
Coding change: c.5903del on transcript NM_001374828.1 (MANE Select); coding-DNA position 5903, one base deleted (G; older notation c.5903delG).
Protein change: p.Arg1968fs; shifts the reading frame from arginine 1968.
Molecular consequence: frameshift variant.
Genome position (GRCh38, 1-based): chr6:157,206,675, G deleted. VCF-style (leftmost placement, unchanged base first): chr6-157206674-CG-C. GRCh37 (hg19) VCF-style: chr6-157527808-CG-C.
Other names: c.5654del (NM_001346813.1); c.3404del, p.Arg1135fs (NM_001363725.2); c.5783del, p.Arg1928fs (NM_001371656.1, NM_001374820.1); c.5744del, p.Arg1915fs (NM_017519.3); short protein forms R1135fs, R1915fs, R1928fs, R1968fs.
Identifiers: ClinVar variation 1320110 (VCV001320110.1), dbSNP rs2128393700, ClinGen allele CA2573052630.
Genomic context (GRCh38, chr6:157,206,674, plus strand): 5'-GACACCACCGAGCACATTCAGACTCACTTTGAGAGCAAGATGGAAATTCCTCCTCGCAGG[CG>C]CCCACCTCCCCCCTTAAGCTCCGCAGGTAGAAAGAAAGAGCAAGAAGGCAAAGGCGACTC-3'

ClinVar aggregate classification (germline): Likely pathogenic (1 of 4 stars; one submission).

Conditions:
Coffin-Siris syndrome 1 (CSS1). Also called: Mental retardation, autosomal dominant 12; ARID1B-Related Coffin-Siris Syndrome. Identifiers: Orphanet 1465, MedGen C3281201, MONDO:0007617, OMIM 135900. Disease mechanism: gain of function.

Submission:

3billion
Classification: Likely pathogenic for Coffin-Siris syndrome 1. Last evaluated: 2021-10-02. Review status: criteria provided, single submitter. Criteria: ACMG Guidelines, 2015. Collection method: clinical testing. Allele origin: unknown. Affected: yes. Observed: 1 heterozygote.
Comment: Frameshift: predicted to result in a loss or disruption of normal protein function through nonsense-mediated decay (NMD) or protein truncation. Multiple pathogenic variants are reported downstream of the variant (PVS1_VS). It is not observed in the gnomAD v2.1.1 dataset (PM2). Therefore, this variant is classified as likely pathogenic according to the recommendation of ACMG/AMP guideline.